The following is an entry in ClinVar:

NM_014920.5(CILK1):c.339C>T (p.Leu113=)

Gene: CILK1 (ciliogenesis associated kinase 1; minus strand). Cytogenetic location: 6p12.1.
Variant type: single nucleotide variant.
Coding change: c.339C>T on transcript NM_014920.5 (MANE Select); coding-DNA position 339, C replaced by T.
Protein change: p.Leu113=; no amino-acid change (leucine 113 retained).
Molecular consequence: synonymous variant. On other transcripts: non-coding transcript variant (1).
Genome position (GRCh38, 1-based): chr6:53,031,084, G>A on the plus strand (C>T on the coding strand, the complement: CILK1 is on the minus strand). VCF-style: chr6-53031084-G-A. GRCh37 (hg19) VCF-style: chr6-52895882-G-A.
Other names: c.339C>T (NM_016513.4); c.339C>T, p.Leu113= (NM_001375397.1, NM_001375398.1, NM_001375399.1 and 4 more transcripts).
Identifiers: ClinVar variation 1680568 (VCV001680568.11), dbSNP rs148180965, ClinGen allele CA3858835.

ClinVar aggregate classification (germline): Likely benign. Review status: criteria provided, multiple submitters, no conflicts (2 of 4 stars). 3 submissions from 3 submitters: Likely benign (2). 1 of the submissions does not count toward it. Last evaluated 2025-06-12.

Conditions:
CILK1-related disorder. Also called: CILK1-related condition.

Allele frequency attached by ClinVar (database versions not stated): ExAC 0.00002; gnomAD 0.00002 and 0.00003; gnomAD exomes 0.00006; ESP Exome Variant Server 0.00015.
gnomAD v4.1: 29 of 1,606,986 alleles (0.0018%); highest among the groups gnomAD compares: Admixed American, 0.025%; no homozygotes.

Submissions (3):

Labcorp Genetics (formerly Invitae), Labcorp
Classification: Likely benign. Last evaluated: 2025-06-12. Review status: criteria provided, single submitter. Criteria: Invitae Variant Classification Sherloc (09022015). Collection method: clinical testing. Allele origin: germline.

Blueprint Genetics
Classification: Likely benign. Last evaluated: 2024-07-11. Review status: criteria provided, single submitter. Criteria: ACMG Guidelines, 2015. Collection method: clinical testing. Allele origin: germline.

PreventionGenetics, part of Exact Sciences
Classification: Likely benign for CILK1-related condition. Last evaluated: 2023-03-06. Review status: no assertion criteria provided. Collection method: clinical testing. Allele origin: germline. Not counted in ClinVar's aggregate classification.
Comment: This variant is classified as likely benign based on ACMG/AMP sequence variant interpretation guidelines (Richards et al. 2015 PMID: 25741868, with internal and published modifications).